The following is an entry in ClinVar:

ClinVar aggregate classification (germline): Uncertain significance. Review status: criteria provided, multiple submitters, no conflicts (2 of 4 stars). 2 submissions from 2 submitters: Uncertain significance (2). Last evaluated 2025-05-26.

Allele frequency attached by ClinVar (database versions not stated): ExAC 0.00003; TOPMed 0.00003; gnomAD exomes 0.00004 and 0.00021; ESP Exome Variant Server 0.00008.
gnomAD v4.1: 295 of 1,613,936 alleles (0.018%); highest among the groups gnomAD compares: Non-Finnish European, 0.025%; no homozygotes.

Submissions (2):

Ambry Genetics
Classification: Uncertain significance. Last evaluated: 2025-05-26. Review status: criteria provided, single submitter. Criteria: Ambry Variant Classification Scheme 2023. Collection method: clinical testing. Allele origin: germline.

GeneDx
Classification: Uncertain significance. Last evaluated: 2018-12-06. Review status: criteria provided, single submitter. Criteria: GeneDx Variant Classification (06012015). Collection method: clinical testing. Allele origin: germline. Affected: yes.
Comment: The D81H missense substitution has not been published as a pathogenic variant, nor has it been reported as a benign polymorphism to our knowledge. The amino acid change is non-conservative in that a negatively charged Aspartic Acid residue is replaced by a positively charged Histidine residue. This change occurs at a highly conserved position in the UQCRQ protein. In silico analyses are not consistent in their prediction of whether or not D81H is damaging to the UQCRQ protein. Therefore, based on the currently available information it is unclear whether D81H is a pathogenic variant or a rare benign variant.

NM_014402.5(UQCRQ):c.241G>C (p.Asp81His)

Gene: UQCRQ (ubiquinol-cytochrome c reductase complex III subunit VII; plus strand). Cytogenetic location: 5q31.1.
Variant type: single nucleotide variant.
Coding change: c.241G>C on transcript NM_014402.5 (MANE Select); coding-DNA position 241, G replaced by C.
Protein change: p.Asp81His; replaces aspartic acid 81 with histidine.
Molecular consequence: missense variant.
Genome position (GRCh38, 1-based): chr5:132,867,574, G>C. VCF-style: chr5-132867574-G-C. GRCh37 (hg19) VCF-style: chr5-132203266-G-C.
Other names: short protein forms D81H.
Identifiers: ClinVar variation 215352 (VCV000215352.5), dbSNP rs377638751, ClinGen allele CA325232.